The following is an entry in ClinVar:

ClinVar aggregate classification (germline): Uncertain significance (1 of 4 stars; one submission).

Conditions:
Cardiovascular phenotype. Identifiers: MedGen CN230736.

Submission:

Ambry Genetics
Classification: Uncertain significance for Cardiovascular phenotype. Last evaluated: 2021-09-09. Review status: criteria provided, single submitter. Criteria: Ambry Variant Classification Scheme 2023. Collection method: clinical testing. Allele origin: germline.
Comment: The p.D1792V variant (also known as c.5375A>T), located in coding exon 38 of the LAMA4 gene, results from an A to T substitution at nucleotide position 5375. The aspartic acid at codon 1792 is replaced by valine, an amino acid with highly dissimilar properties. This amino acid position is conserved. In addition, this alteration is predicted to be deleterious by in silico analysis. Since supporting evidence is limited at this time, the clinical significance of this alteration remains unclear.

NM_001105206.3(LAMA4):c.5396A>T (p.Asp1799Val)

Gene: LAMA4 (laminin subunit alpha 4; minus strand). Cytogenetic location: 6q21.
Variant type: single nucleotide variant.
Coding change: c.5396A>T on transcript NM_001105206.3 (MANE Select); coding-DNA position 5396, A replaced by T.
Protein change: p.Asp1799Val; replaces aspartic acid 1799 with valine.
Molecular consequence: missense variant.
Genome position (GRCh38, 1-based): chr6:112,109,513, T>A on the plus strand (A>T on the coding strand, the complement: LAMA4 is on the minus strand). VCF-style: chr6-112109513-T-A. GRCh37 (hg19) VCF-style: chr6-112430716-T-A.
Other names: c.5375A>T, p.Asp1792Val (NM_001105207.3, NM_002290.5); short protein forms D1799V, D1792V.
Identifiers: ClinVar variation 1747119 (VCV001747119.2), dbSNP rs2546957158, ClinGen allele CA365363517.
Genomic context (GRCh38, chr6:112,109,513, plus strand): 5'-GAGTTGATGCTTACGGCGCCGCTGACCAGGGCTGCTTTACTGAAGCTCACTGGGTGTCCA[T>A]CAATCACAAAGTGGCGTATGCAGCCTGTGAAGGGTTTGCTGGGGGCCAAGCGTGGTGTCA-3'
Protein context (NP_001098676.2, residues 1789-1809): FTGCIRHFVI[Asp1799Val]GHPVSFSKAA